The following is an entry in ClinVar:

ClinVar aggregate classification (germline): Benign/Likely benign. Review status: criteria provided, multiple submitters, no conflicts (2 of 4 stars). 2 submissions from 2 submitters: Benign (1); Likely benign (1). Last evaluated 2025-02-07.

Conditions:
POLD1-related polyposis and colorectal cancer syndrome (CRCS10). Also called: Colorectal cancer, susceptibility to, 10; Colorectal cancer 10; COLORECTAL CANCER, SUSCEPTIBILITY TO, ON CHROMOSOME 19q. Identifiers: Orphanet 220460, MedGen C2675481, MONDO:0012953, OMIM 612591.

Submissions (2):

Myriad Genetics, Inc.
Classification: Benign for POLD1-related polyposis and colorectal cancer syndrome. Last evaluated: 2025-02-07. Review status: criteria provided, single submitter. Criteria: Myriad Autosomal Dominant, Autosomal Recessive and X-Linked Classification Criteria (2023). Collection method: clinical testing. Allele origin: unknown.
Comment: This variant is considered benign. This variant is a silent/synonymous amino acid change and it is not expected to impact splicing.

Labcorp Genetics (formerly Invitae), Labcorp
Classification: Likely benign for POLD1-related polyposis and colorectal cancer syndrome. Last evaluated: 2021-08-28. Review status: criteria provided, single submitter. Criteria: Invitae Variant Classification Sherloc (09022015). Collection method: clinical testing. Allele origin: germline.

NM_002691.4(POLD1):c.1647T>C (p.Arg549=)

Gene: POLD1 (DNA polymerase delta 1, catalytic subunit; plus strand). Cytogenetic location: 19q13.33.
Variant type: single nucleotide variant.
Coding change: c.1647T>C on transcript NM_002691.4 (MANE Select); coding-DNA position 1647, T replaced by C.
Protein change: p.Arg549=; no amino-acid change (arginine 549 retained).
Molecular consequence: synonymous variant. On other transcripts: non-coding transcript variant (1).
Genome position (GRCh38, 1-based): chr19:50,407,135, T>C. VCF-style: chr19-50407135-T-C. GRCh37 (hg19) VCF-style: chr19-50910392-T-C.
Other names: c.1647T>C, p.Arg549= (NM_001256849.1, NM_001308632.1).
Identifiers: ClinVar variation 751403 (VCV000751403.10), dbSNP rs1601219883, ClinGen allele CA508184063.
Genomic context (GRCh38, chr19:50,407,135, plus strand): 5'-GGTGAACGCCGTGGAGATGGCGAGGGTCACTGGCGTGCCCCTCAGCTACCTGCTCAGTCG[T>C]GGCCAGCAGGTCAAGGTCGTATCCCAGCTGTTGCGGCAGGTCAGTAGCCGAGACTTGTCC-3'
Protein context (NP_002682.2, residues 539-559): TGVPLSYLLS[Arg549=]GQQVKVVSQL